The following is an entry in ClinVar:

ClinVar aggregate classification (germline): Benign/Likely benign. Review status: criteria provided, multiple submitters, no conflicts (2 of 4 stars). 5 submissions from 5 submitters: Benign (1); Likely benign (4). Last evaluated 2025-10-11.

Conditions:
Hereditary cancer-predisposing syndrome. Also called: Hereditary Cancer Syndrome; Neoplastic Syndromes, Hereditary; Tumor predisposition; Hereditary neoplastic syndrome. Identifiers: Orphanet 140162, MedGen C0027672, MeSH D009386, MONDO:0015356.
Hereditary diffuse gastric adenocarcinoma (HDGC). Also called: DIFFUSE GASTRIC AND LOBULAR BREAST CANCER SYNDROME. Identifiers: Orphanet 26106, MedGen C1708349, MONDO:0007648, OMIM 137215.

Allele frequency attached by ClinVar (database versions not stated): gnomAD exomes below 0.00001; gnomAD 0.00001.
gnomAD v4.1: 3 of 1,613,992 alleles (0.00019%); highest among the groups gnomAD compares: Non-Finnish European, 0.000085%; no homozygotes.

Submissions (5):

Labcorp Genetics (formerly Invitae), Labcorp
Classification: Likely benign for Hereditary diffuse gastric adenocarcinoma. Last evaluated: 2025-10-11. Review status: criteria provided, single submitter. Criteria: Invitae Variant Classification Sherloc (09022015). Collection method: clinical testing. Allele origin: germline.

Myriad Genetics, Inc.
Classification: Benign for Hereditary diffuse gastric adenocarcinoma. Last evaluated: 2024-09-17. Review status: criteria provided, single submitter. Criteria: Myriad Autosomal Dominant, Autosomal Recessive and X-Linked Classification Criteria (2023). Collection method: clinical testing. Allele origin: unknown.
Comment: This variant is considered benign. This variant is a silent/synonymous amino acid change and it is not expected to impact splicing.

Institute for Biomarker Research, Medical Diagnostic Laboratories, L.L.C.
Classification: Likely benign for Hereditary cancer-predisposing syndrome. Last evaluated: 2024-09-16. Review status: criteria provided, single submitter. Criteria: ACMG Guidelines, 2015. Collection method: clinical testing. Allele origin: germline.
Comment: The synonymous variant NM_004360.5(CDH1):c.990C>T (p.Thr330=) has been reported to ClinVar as Likely benign with a status of (2 stars) criteria provided, multiple submitters, no conflicts (Variation ID 187430 as of 2024-08-01). The p.Thr330= variant is novel (not in any individuals) in gnomAD. The p.Thr330= variant is novel (not in any individuals) in 1kG. The p.Thr330= variant is predicted to introduce a novel splice site by 1 of 4 splice site algorithms. The p.Thr330= variant results in a substitution of a base that is not predicted conserved by GERP++ and PhyloP. For these reasons, this variant has been classified as Likely Benign.

Color Diagnostics, LLC DBA Color Health
Classification: Likely benign for Hereditary cancer-predisposing syndrome. Last evaluated: 2017-03-23. Review status: criteria provided, single submitter. Criteria: ACMG Guidelines, 2015. Collection method: clinical testing. Allele origin: germline.

Ambry Genetics
Classification: Likely benign for Hereditary cancer-predisposing syndrome. Last evaluated: 2014-12-09. Review status: criteria provided, single submitter. Criteria: Ambry Variant Classification Scheme 2023. Collection method: clinical testing. Allele origin: germline.

NM_004360.5(CDH1):c.990C>T (p.Thr330=)

Gene: CDH1 (cadherin 1; plus strand). Cytogenetic location: 16q22.1.
Variant type: single nucleotide variant.
Coding change: c.990C>T on transcript NM_004360.5 (MANE Select); coding-DNA position 990, C replaced by T.
Protein change: p.Thr330=; no amino-acid change (threonine 330 retained).
Molecular consequence: synonymous variant. On other transcripts: 5 prime UTR variant (2).
Genome position (GRCh38, 1-based): chr16:68,811,841, C>T. VCF-style: chr16-68811841-C-T. GRCh37 (hg19) VCF-style: chr16-68845744-C-T.
Other names: c.990C>T (LRG_301t1); c.990C>T, p.Thr330= (NM_001317184.2); c.-626C>T (NM_001317185.2); c.-830C>T (NM_001317186.2).
Identifiers: ClinVar variation 187430 (VCV000187430.20), dbSNP rs786203728, ClinGen allele CA197632.